The following is an entry in ClinVar:

ClinVar aggregate classification (germline): Uncertain significance (0 of 4 stars; one submission).

Conditions:
Familial cancer of breast. Also called: BREAST CANCER, FAMILIAL; hereditary breast carcinoma; Hereditary breast cancer. Identifiers: Orphanet 227535, MedGen C0346153, MONDO:0016419, OMIM 114480. Disease mechanism: loss of function.

Submission:

Leiden Open Variation Database
Classification: Uncertain significance for Familial cancer of breast. Last evaluated: 2019-05-13. Review status: no assertion criteria provided. Collection method: curation. Allele origin: germline. Affected: yes.
Comment: Curators: Marc Tischkowitz, Arleen D. Auerbach. Submitter to LOVD: Marc Tischkowitz.

Literature cited by the submitters: PubMed 23448497.

NM_024675.4(PALB2):c.90G>T (p.Lys30Asn)

Gene: PALB2 (partner and localizer of BRCA2; minus strand). Cytogenetic location: 16p12.2.
Variant type: single nucleotide variant.
Coding change: c.90G>T on transcript NM_024675.4 (MANE Select); coding-DNA position 90, G replaced by T.
Protein change: p.Lys30Asn; replaces lysine 30 with asparagine.
Molecular consequence: missense variant.
Genome position (GRCh38, 1-based): chr16:23,638,088, C>A on the plus strand (G>T on the coding strand, the complement: PALB2 is on the minus strand). VCF-style: chr16-23638088-C-A. GRCh37 (hg19) VCF-style: chr16-23649409-C-A.
Other names: short protein forms K30N.
Identifiers: ClinVar variation 126779 (VCV000126779.3), dbSNP rs515726130, ClinGen allele CA269663.